The following is an entry in ClinVar:

ClinVar aggregate classification (germline): Benign. Review status: criteria provided, multiple submitters, no conflicts (2 of 4 stars). 2 submissions from 2 submitters: Benign (2). Last evaluated 2026-01-08.

Allele frequency attached by ClinVar (database versions not stated): gnomAD exomes 0.00043; ExAC 0.00050; gnomAD 0.00056; ESP Exome Variant Server 0.00062; TOPMed 0.00068.
gnomAD v4.1: 712 of 1,525,048 alleles (0.047%); highest among the groups gnomAD compares: Middle Eastern, 0.25%; 7 homozygotes.

Submissions (10):

Labcorp Genetics (formerly Invitae), Labcorp
Classification: Benign. Last evaluated: 2026-01-08. Review status: criteria provided, single submitter. Criteria: Invitae Variant Classification Sherloc (09022015). Collection method: clinical testing. Allele origin: germline.

CeGaT Center for Human Genetics Tuebingen
Classification: Benign. Last evaluated: 2025-06-01. Review status: criteria provided, single submitter. Criteria: CeGaT Center For Human Genetics Tuebingen Variant Classification Criteria Version 2. Collection method: clinical testing. Allele origin: germline. Affected: yes. Observed: 1 variant allele.
Comment: LAMA5: PP3, BS1, BS2

Dr. Peter K. Rogan Lab, Western University
No classification provided (evidence only). Condition: Clear cell carcinoma of kidney. Review status: no classification provided. Collection method: in vitro. Allele origin: not applicable. Functional consequence: retained intron. Not counted in ClinVar's aggregate classification.

Dr. Peter K. Rogan Lab, Western University
No classification provided (evidence only). Condition: Thyroid cancer, nonmedullary, 1. Review status: no classification provided. Collection method: in vitro. Allele origin: not applicable. Functional consequence: retained intron. Not counted in ClinVar's aggregate classification.

Dr. Peter K. Rogan Lab, Western University
No classification provided (evidence only). Condition: Thyroid cancer, nonmedullary, 1. Review status: no classification provided. Collection method: in vitro. Allele origin: not applicable. Functional consequence: retained intron. Not counted in ClinVar's aggregate classification.

Dr. Peter K. Rogan Lab, Western University
No classification provided (evidence only). Condition: Thyroid cancer, nonmedullary, 1. Review status: no classification provided. Collection method: in vitro. Allele origin: not applicable. Functional consequence: retained intron. Not counted in ClinVar's aggregate classification.

Dr. Peter K. Rogan Lab, Western University
No classification provided (evidence only). Condition: Thymoma. Review status: no classification provided. Collection method: in vitro. Allele origin: not applicable. Functional consequence: retained intron. Not counted in ClinVar's aggregate classification.

Dr. Peter K. Rogan Lab, Western University
No classification provided (evidence only). Condition: Ovarian serous cystadenocarcinoma. Review status: no classification provided. Collection method: in vitro. Allele origin: not applicable. Functional consequence: retained intron. Not counted in ClinVar's aggregate classification.

Dr. Peter K. Rogan Lab, Western University
No classification provided (evidence only). Condition: Gastric cancer. Review status: no classification provided. Collection method: in vitro. Allele origin: not applicable. Functional consequence: retained intron. Not counted in ClinVar's aggregate classification.

Dr. Peter K. Rogan Lab, Western University
No classification provided (evidence only). Condition: Malignant tumor of esophagus. Review status: no classification provided. Collection method: in vitro. Allele origin: not applicable. Functional consequence: cryptic splice site, retained intron. Not counted in ClinVar's aggregate classification.

NM_005560.6(LAMA5):c.7514T>G (p.Ile2505Ser)

Gene: LAMA5 (laminin subunit alpha 5; minus strand). Cytogenetic location: 20q13.33.
Variant type: single nucleotide variant.
Coding change: c.7514T>G on transcript NM_005560.6 (MANE Select); coding-DNA position 7514, T replaced by G.
Protein change: p.Ile2505Ser; replaces isoleucine 2505 with serine.
Molecular consequence: missense variant.
Genome position (GRCh38, 1-based): chr20:62,317,021, A>C on the plus strand (T>G on the coding strand, the complement: LAMA5 is on the minus strand). VCF-style: chr20-62317021-A-C. GRCh37 (hg19) VCF-style: chr20-60892077-A-C.
Other names: short protein forms I2505S.
Identifiers: ClinVar variation 2154094 (VCV002154094.13), dbSNP rs199776859, ClinGen allele CA9941177.